The following is an entry in ClinVar:

NM_004656.4(BAP1):c.1833G>A (p.Glu611=)

Gene: BAP1 (BRCA1 associated deubiquitinase 1; minus strand). Cytogenetic location: 3p21.1.
Variant type: single nucleotide variant.
Coding change: c.1833G>A on transcript NM_004656.4 (MANE Select); coding-DNA position 1833, G replaced by A.
Protein change: p.Glu611=; no amino-acid change (glutamic acid 611 retained).
Molecular consequence: synonymous variant.
Genome position (GRCh38, 1-based): chr3:52,403,195, C>T on the plus strand (G>A on the coding strand, the complement: BAP1 is on the minus strand). VCF-style: chr3-52403195-C-T. GRCh37 (hg19) VCF-style: chr3-52437211-C-T.
Identifiers: ClinVar variation 1135033 (VCV001135033.10), dbSNP rs771494475, ClinGen allele CA433885888.
Genomic context (GRCh38, chr3:52,403,195, plus strand): 5'-CACCTTGGGTGAGTATTTCTCCCCACTCAAGGGCTCGCCAGGCCTCACCATCCCCGTCTT[C>T]TCTCTGCTGTCCGTGGCTTCCACGACCTCCTTCTCCACTGGGCTGCTGGACCCCTGGCTG-3'
Protein context (NP_004647.1, residues 601-621): KEVVEATDSR[Glu611=]KTGMVRPGEP

ClinVar aggregate classification (germline): Benign/Likely benign. Review status: criteria provided, multiple submitters, no conflicts (2 of 4 stars). 3 submissions from 3 submitters: Benign (1); Likely benign (2). Last evaluated 2024-07-17.

Conditions:
BAP1-related tumor predisposition syndrome (TPDS1). Also called: TUMOR PREDISPOSITION SYNDROME 1; Tumor susceptibility linked to germline BAP1 mutations; BAP1 tumor predisposition syndrome; COMMON Syndrome. Identifiers: Orphanet 289539, MedGen C3280492, MONDO:0013692, OMIM 614327.
Hereditary cancer-predisposing syndrome. Also called: Neoplastic Syndromes, Hereditary; Hereditary Cancer Syndrome; Tumor predisposition; Hereditary neoplastic syndrome. Identifiers: Orphanet 140162, MedGen C0027672, MeSH D009386, MONDO:0015356.

gnomAD v4.1: 1 of 1,614,212 alleles (0.000062%); highest among the groups gnomAD compares: Non-Finnish European, 0.000085%; no homozygotes.

Submissions (3):

Myriad Genetics, Inc.
Classification: Benign for BAP1-related tumor predisposition syndrome. Last evaluated: 2024-07-17. Review status: criteria provided, single submitter. Criteria: Myriad Autosomal Dominant, Autosomal Recessive and X-Linked Classification Criteria (2023). Collection method: clinical testing. Allele origin: unknown.
Comment: This variant is considered benign. This variant is a silent/synonymous amino acid change and it is not expected to impact splicing.

Labcorp Genetics (formerly Invitae), Labcorp
Classification: Likely benign for BAP1-related tumor predisposition syndrome. Last evaluated: 2024-05-26. Review status: criteria provided, single submitter. Criteria: Invitae Variant Classification Sherloc (09022015). Collection method: clinical testing. Allele origin: germline.

Ambry Genetics
Classification: Likely benign for Hereditary cancer-predisposing syndrome. Last evaluated: 2021-07-21. Review status: criteria provided, single submitter. Criteria: Ambry Variant Classification Scheme 2023. Collection method: clinical testing. Allele origin: germline.